The following is an entry in ClinVar:

ClinVar aggregate classification (germline): Uncertain significance (1 of 4 stars; one submission).

Conditions:
Adenylosuccinate lyase deficiency (ADSLD). Also called: ADSL DEFICIENCY. Identifiers: Orphanet 46, MedGen C0268126, MONDO:0007068, OMIM 103050.

Submission:

Labcorp Genetics (formerly Invitae), Labcorp
Classification: Uncertain significance for Adenylosuccinate lyase deficiency. Last evaluated: 2022-07-19. Review status: criteria provided, single submitter. Criteria: Invitae Variant Classification Sherloc (09022015). Collection method: clinical testing. Allele origin: germline.
Comment: This variant occurs in a non-coding region of the ADSL gene. It does not change the encoded amino acid sequence of the ADSL protein. This variant is not present in population databases (gnomAD no frequency). This variant has not been reported in the literature in individuals affected with ADSL-related conditions. Experimental studies and prediction algorithms are not available or were not evaluated, and the functional significance of this variant is currently unknown. In summary, the available evidence is currently insufficient to determine the role of this variant in disease. Therefore, it has been classified as a Variant of Uncertain Significance.

NC_000022.11:g.40346492T>G

Gene: ADSL (adenylosuccinate lyase; plus strand). Cytogenetic location: 22q13.1.
Variant type: single nucleotide variant.
Genome position: GRCh38 VCF-style: chr22-40346492-T-G. GRCh37 (hg19) VCF-style: chr22-40742496-T-G.
Identifiers: ClinVar variation 1937003 (VCV001937003.3), dbSNP rs2518077241, ClinGen allele CA2580099864.